The following is an entry in ClinVar:

NM_001174089.2(SLC4A11):c.2375_2388+18del

Gene: SLC4A11 (solute carrier family 4 member 11; minus strand). Cytogenetic location: 20p13.
Variant type: Deletion.
Coding change: c.2375_2388+18del on transcript NM_001174089.2 (MANE Select); coding-DNA position 2375 through 18 bases into the intron after coding-DNA position 2388, 32 bases deleted.
Molecular consequence: splice donor variant.
Genome position (GRCh38, 1-based): chr20:3,228,494-3,228,525, 32 bases deleted; deleting any 32 consecutive bases within chr20:3,228,494-3,228,534 gives the same sequence; the c. name uses the placement nearest the transcript's 3' end. GRCh37 (hg19): chr20:3,209,149-3,209,180.
Other names: c.2318_2331+18del (NM_001400277.1, NM_001400278.1, NM_001400279.1); c.2261_2274+18del (NM_001363745.2); c.2390_2403+18del (NM_001400280.1); c.2504_2517+18del (NM_001174090.2); c.2423_2436+18del (NM_032034.4).
Identifiers: ClinVar variation 2032108 (VCV002032108.4), dbSNP rs2514516494, ClinGen allele CA2580097995.

ClinVar aggregate classification (germline): Likely pathogenic (1 of 4 stars; one submission).

Submission:

Labcorp Genetics (formerly Invitae), Labcorp
Classification: Likely pathogenic. Last evaluated: 2022-09-23. Review status: criteria provided, single submitter. Criteria: Invitae Variant Classification Sherloc (09022015). Collection method: clinical testing. Allele origin: germline.
Comment: This variant has not been reported in the literature in individuals affected with SLC4A11-related conditions. Algorithms developed to predict the effect of sequence changes on RNA splicing suggest that this variant may disrupt the consensus splice site. In summary, the currently available evidence indicates that the variant is pathogenic, but additional data are needed to prove that conclusively. Therefore, this variant has been classified as Likely Pathogenic. This variant results in the deletion of part of exon 17 (c.2423_2436+18del) of the SLC4A11 gene. It is expected to disrupt RNA splicing. Variants that disrupt the donor or acceptor splice site typically lead to a loss of protein function (PMID: 16199547), and loss-of-function variants in SLC4A11 are known to be pathogenic (PMID: 17220209, 17679935). This variant is not present in population databases (gnomAD no frequency).

Literature cited by the submitters: PubMed 16199547; PubMed 17220209; PubMed 17679935.